The following is an entry in ClinVar:

ClinVar aggregate classification (germline): Uncertain significance. Review status: criteria provided, multiple submitters, no conflicts (2 of 4 stars). 2 submissions from 2 submitters: Uncertain significance (2). Last evaluated 2024-07-11.

Allele frequency attached by ClinVar (database versions not stated): TOPMed 0.00001.

Submissions (2):

GeneDx
Classification: Uncertain significance. Last evaluated: 2024-07-11. Review status: criteria provided, single submitter. Criteria: GeneDx Variant Classification Process June 2021. Collection method: clinical testing. Allele origin: germline. Affected: yes.
Comment: Not observed at significant frequency in large population cohorts (gnomAD); Has not been previously published as pathogenic or benign to our knowledge; In silico analysis does not support a benign or deleterious effect of this variant on protein structure/function

Genetic Services Laboratory, University of Chicago
Classification: Uncertain significance. Last evaluated: 2018-11-26. Review status: criteria provided, single submitter. Criteria: ACMG Guidelines, 2015. Collection method: clinical testing. Allele origin: germline. Affected: no.

NM_005105.5(RBM8A):c.403A>C (p.Asn135His)

Gene: RBM8A (RNA binding motif protein 8A; minus strand). Cytogenetic location: 1q21.1.
Variant type: single nucleotide variant.
Coding change: c.403A>C on transcript NM_005105.5 (MANE Select); coding-DNA position 403, A replaced by C.
Protein change: p.Asn135His; replaces asparagine 135 with histidine.
Molecular consequence: missense variant.
Genome position (GRCh38, 1-based): chr1:145,926,117, T>G on the plus strand (A>C on the coding strand, the complement: RBM8A is on the minus strand). VCF-style: chr1-145926117-T-G. GRCh37 (hg19) VCF-style: chr1-145508976-A-C.
Other names: short protein forms N135H.
Identifiers: ClinVar variation 1336934 (VCV001336934.5), dbSNP rs1261034450, ClinGen allele CA342127020.